The following is an entry in ClinVar:

ClinVar aggregate classification (germline): Benign/Likely benign. Review status: criteria provided, multiple submitters, no conflicts (2 of 4 stars). 5 submissions from 5 submitters: Benign (1); Likely benign (3). 1 of the submissions does not count toward it. Last evaluated 2025-12-26.

Conditions:
ATRX-related disorder. Also called: ATRX-related condition.
Alpha thalassemia-X-linked intellectual disability syndrome (ATRX). Also called: ATR-X syndrome; Alpha thalassemia mental retardation syndrome, nondeletion type, X-linked; XLMR hypotonic face syndrome; ALPHA-THALASSEMIA/MENTAL RETARDATION SYNDROME, X-LINKED; ATR, NONDELETION TYPE; X-linked alpha-thalassemia-mental retardation syndrome. Identifiers: Orphanet 847, MedGen C1845055, MONDO:0010519, OMIM 301040.
Inborn genetic diseases. Identifiers: MedGen C0950123, MeSH D030342.

Allele frequency attached by ClinVar (database versions not stated): gnomAD exomes 0.00006 and 0.00014; gnomAD 0.00004; ExAC 0.00006; TOPMed 0.00003.
gnomAD v4.1: 151 of 1,210,170 alleles (0.012%); highest among the groups gnomAD compares: Non-Finnish European, 0.015%; no homozygotes.

Submissions (5):

Labcorp Genetics (formerly Invitae), Labcorp
Classification: Benign for Alpha thalassemia-X-linked intellectual disability syndrome. Last evaluated: 2025-12-26. Review status: criteria provided, single submitter. Criteria: Invitae Variant Classification Sherloc (09022015). Collection method: clinical testing. Allele origin: germline.

Blueprint Genetics
Classification: Likely benign. Last evaluated: 2024-09-04. Review status: criteria provided, single submitter. Criteria: ACMG Guidelines, 2015. Collection method: clinical testing. Allele origin: germline.

CeGaT Center for Human Genetics Tuebingen
Classification: Likely benign. Last evaluated: 2024-05-01. Review status: criteria provided, single submitter. Criteria: CeGaT Center For Human Genetics Tuebingen Variant Classification Criteria Version 2. Collection method: clinical testing. Allele origin: germline. Affected: yes. Observed: 1 variant allele.
Comment: ATRX: BP4, BP7, BS2

Ambry Genetics
Classification: Likely benign for Inborn genetic diseases. Last evaluated: 2018-10-12. Review status: criteria provided, single submitter. Criteria: Ambry Variant Classification Scheme 2023. Collection method: clinical testing. Allele origin: germline.

PreventionGenetics, part of Exact Sciences
Classification: Likely benign for ATRX-related condition. Last evaluated: 2021-08-23. Review status: no assertion criteria provided. Collection method: clinical testing. Allele origin: germline. Not counted in ClinVar's aggregate classification.
Comment: This variant is classified as likely benign based on ACMG/AMP sequence variant interpretation guidelines (Richards et al. 2015 PMID: 25741868, with internal and published modifications).

NM_000489.6(ATRX):c.7254C>T (p.Tyr2418=)

Gene: ATRX (ATRX chromatin remodeler; minus strand). Cytogenetic location: Xq21.1.
Variant type: single nucleotide variant.
Coding change: c.7254C>T on transcript NM_000489.6 (MANE Select); coding-DNA position 7254, C replaced by T.
Protein change: p.Tyr2418=; no amino-acid change (tyrosine 2418 retained).
Molecular consequence: synonymous variant.
Genome position (GRCh38, 1-based): chrX:77,508,576, G>A on the plus strand (C>T on the coding strand, the complement: ATRX is on the minus strand). VCF-style: chrX-77508576-G-A. GRCh37 (hg19) VCF-style: chrX-76764054-G-A.
Other names: c.7140C>T, p.Tyr2380= (NM_138270.5).
Identifiers: ClinVar variation 779057 (VCV000779057.34), dbSNP rs782527659, ClinGen allele CA10457400.